The following is an entry in ClinVar:

ClinVar aggregate classification (germline): Conflicting classifications of pathogenicity. Review status: criteria provided, conflicting classifications (1 of 4 stars). 3 submissions from 3 submitters: Uncertain significance (1); Benign (1); Likely benign (1). Last evaluated 2025-05-30.

Conditions:
Hereditary cancer-predisposing syndrome. Also called: Hereditary Cancer Syndrome; Hereditary neoplastic syndrome; Neoplastic Syndromes, Hereditary; Tumor predisposition. Identifiers: Orphanet 140162, MedGen C0027672, MeSH D009386, MONDO:0015356.
Lynch syndrome 4 (LYNCH4). Also called: Colorectal cancer, hereditary nonpolyposis, type 4; Hereditary non-polyposis colorectal cancer, type 4. Identifiers: Orphanet 144, MedGen C1838333, MONDO:0013699, OMIM 614337. Disease mechanism: loss of function.

Allele frequency attached by ClinVar (database versions not stated): gnomAD exomes below 0.00001.
gnomAD v4.1: 4 of 1,614,110 alleles (0.00025%); highest among the groups gnomAD compares: Non-Finnish European, 0.00034%; no homozygotes.

Submissions (3):

GeneDx
Classification: Uncertain significance. Last evaluated: 2025-05-30. Review status: criteria provided, single submitter. Criteria: GeneDx Variant Classification Process June 2021. Collection method: clinical testing. Allele origin: germline. Affected: yes.
Comment: Not observed at significant frequency in large population cohorts (gnomAD); Has not been previously published as pathogenic or benign to our knowledge; In silico analysis is inconclusive as to whether the variant alters gene splicing. In the absence of RNA/functional studies, the actual effect of this sequence change is unknown.

Myriad Genetics, Inc.
Classification: Benign for Lynch syndrome 4. Last evaluated: 2025-01-27. Review status: criteria provided, single submitter. Criteria: Myriad Autosomal Dominant, Autosomal Recessive and X-Linked Classification Criteria (2023). Collection method: clinical testing. Allele origin: unknown.
Comment: This variant is considered benign. This variant is a silent/synonymous amino acid change and it is not expected to impact splicing.

Ambry Genetics
Classification: Likely benign for Hereditary cancer-predisposing syndrome. Last evaluated: 2021-03-17. Review status: criteria provided, single submitter. Criteria: Ambry Variant Classification Scheme 2023. Collection method: clinical testing. Allele origin: germline.

NM_000535.7(PMS2):c.585A>G (p.Ser195=)

Gene: PMS2 (PMS1 homolog 2, mismatch repair system component; minus strand). Cytogenetic location: 7p22.1.
Variant type: single nucleotide variant.
Coding change: c.585A>G on transcript NM_000535.7 (MANE Select); coding-DNA position 585, A replaced by G.
Protein change: p.Ser195=; no amino-acid change (serine 195 retained).
Molecular consequence: synonymous variant. On other transcripts: non-coding transcript variant (1), intron variant (6), splice acceptor variant (3).
Genome position (GRCh38, 1-based): chr7:5,999,228, T>C on the plus strand (A>G on the coding strand, the complement: PMS2 is on the minus strand). VCF-style: chr7-5999228-T-C. GRCh37 (hg19) VCF-style: chr7-6038859-T-C.
Other names: c.180A>G, p.Ser60= (NM_001018040.1, NM_001322003.2, NM_001322004.2 and 22 more transcripts); c.585A>G, p.Ser195= (NM_001322006.2, NM_001322014.2, NM_001406869.1 and 5 more transcripts); c.267A>G, p.Ser89= (NM_001322007.2, NM_001322008.2, NM_001406876.1 and 4 more transcripts); c.276A>G, p.Ser92= (NM_001322015.2, NM_001406875.1, NM_001406877.1 and 6 more transcripts); c.771A>G, p.Ser257= (NM_001406866.1); c.609A>G, p.Ser203= (NM_001406868.1); c.132+3225A>G (NM_001406911.1); c.133-1805A>G (NM_001322013.2, NM_001406909.1); and 4 more.
Identifiers: ClinVar variation 1750108 (VCV001750108.4), dbSNP rs2536321183, ClinGen allele CA453647225.